The following is an entry in ClinVar:

ClinVar aggregate classification (germline): Likely pathogenic. Review status: criteria provided, multiple submitters, no conflicts (2 of 4 stars). 2 submissions from 2 submitters: Likely pathogenic (2). Last evaluated 2025-01-23.

Conditions:
CC2D2A-related disorder. Also called: CC2D2A-related disorders; CC2D2A-related condition. Identifiers: MedGen CN239313.
Retinitis pigmentosa 93. Identifiers: MedGen C5676970, MONDO:0030797, OMIM 619845.
COACH syndrome 2. Identifiers: MedGen C5436837, MONDO:0030859, OMIM 619111.
Meckel syndrome, type 6. Identifiers: Orphanet 564, MedGen C2676790, MONDO:0012848, OMIM 612284.
Joubert syndrome 9 (JBTS9). Identifiers: Orphanet 2318, MedGen C2676788, MONDO:0012849, OMIM 612285.

Submissions (2):

PreventionGenetics, part of Exact Sciences
Classification: Likely pathogenic for CC2D2A-related condition. Last evaluated: 2025-01-23. Review status: criteria provided, single submitter. Criteria: ACMG Guidelines, 2015. Collection method: clinical testing. Allele origin: germline.
Comment: The CC2D2A c.2686G>T variant is predicted to result in premature protein termination (p.Glu896*). To our knowledge, this variant has not been reported in the literature or in a large population database (gnomAD), indicating this variant is rare. Nonsense variants in CC2D2A are expected to be pathogenic. This variant is interpreted as likely pathogenic.

Fulgent Genetics
Classification: Likely pathogenic for Meckel syndrome, type 6; Joubert syndrome 9; COACH syndrome 2; Retinitis pigmentosa 93. Last evaluated: 2024-01-22. Review status: criteria provided, single submitter. Criteria: ACMG Guidelines, 2015. Collection method: clinical testing. Allele origin: germline.

NM_001378615.1(CC2D2A):c.2686G>T (p.Glu896Ter)

Genes: CC2D2A (coiled-coil and C2 domain containing 2A; plus strand), FBXL5 (F-box and leucine rich repeat protein 5; minus strand). Cytogenetic location: 4p15.32.
Variant type: single nucleotide variant.
Coding change: c.2686G>T on transcript NM_001378615.1 (MANE Select); coding-DNA position 2686, G replaced by T.
Protein change: p.Glu896Ter; replaces glutamic acid 896 with a stop codon.
Molecular consequence: nonsense.
Genome position (GRCh38, 1-based): chr4:15,557,364, G>T. VCF-style: chr4-15557364-G-T. GRCh37 (hg19) VCF-style: chr4-15558987-G-T.
Other names: c.2686G>T, p.Glu896Ter (NM_001080522.2); c.2539G>T, p.Glu847Ter (NM_001378617.1); short protein forms E896*, E847*.
Identifiers: ClinVar variation 3590374 (VCV003590374.2).
Genomic context (GRCh38, chr4:15,557,364, plus strand): 5'-GTTGCTACCAGTGGTGAATCCTATGTCCCTGATTTCTTTAGACTGGAGCAGCTGCAACAG[G>T]AGTTTAACTTTGTTTCAGATCAAGAATTAAATAGATCCAAACGATTTAGGCTTCTTCATC-3'